The following is an entry in ClinVar:

ClinVar aggregate classification (germline): Uncertain significance (1 of 4 stars; one submission).

Conditions:
Autosomal recessive limb-girdle muscular dystrophy type 2A (LGMDR1). Also called: Muscular dystrophy, limb-girdle, type 2A, Amish; LEYDEN-MOEBIUS MUSCULAR DYSTROPHY; MUSCULAR DYSTROPHY, PELVOFEMORAL; Limb-girdle muscular dystrophy, type 2A; Calpainopathy. Identifiers: Orphanet 267, MedGen C1869123, MONDO:0009675, OMIM 253600. Disease mechanism: loss of function.

gnomAD v4.1: 2 of 1,614,218 alleles (0.00012%); highest among the groups gnomAD compares: Admixed American, 0.0033%; no homozygotes.

Submission:

Labcorp Genetics (formerly Invitae), Labcorp
Classification: Uncertain significance for Autosomal recessive limb-girdle muscular dystrophy type 2A. Last evaluated: 2025-11-28. Review status: criteria provided, single submitter. Criteria: Invitae Variant Classification Sherloc (09022015). Collection method: clinical testing. Allele origin: germline.
Comment: This sequence change replaces serine, which is neutral and polar, with asparagine, which is neutral and polar, at codon 534 of the CAPN3 protein (p.Ser534Asn). This variant is present in population databases (no rsID available, gnomAD 0.003%). This variant has not been reported in the literature in individuals affected with CAPN3-related conditions. Invitae Evidence Modeling of protein sequence and biophysical properties (such as structural, functional, and spatial information, amino acid conservation, physicochemical variation, residue mobility, and thermodynamic stability) indicates that this missense variant is not expected to disrupt CAPN3 protein function with a negative predictive value of 80%. In summary, the available evidence is currently insufficient to determine the role of this variant in disease. Therefore, it has been classified as a Variant of Uncertain Significance.

NM_000070.3(CAPN3):c.1601G>A (p.Ser534Asn)

Gene: CAPN3 (calpain 3; plus strand). Cytogenetic location: 15q15.1.
Variant type: single nucleotide variant.
Coding change: c.1601G>A on transcript NM_000070.3 (MANE Select); coding-DNA position 1601, G replaced by A.
Protein change: p.Ser534Asn; replaces serine 534 with asparagine.
Molecular consequence: missense variant.
Genome position (GRCh38, 1-based): chr15:42,402,858, G>A. VCF-style: chr15-42402858-G-A. GRCh37 (hg19) VCF-style: chr15-42695056-G-A.
Other names: c.1601G>A, p.Ser534Asn (NM_024344.2); c.1457G>A, p.Ser486Asn (NM_173087.2); c.65G>A, p.Ser22Asn (NM_173088.2); short protein forms S534N, S22N, S486N.
Identifiers: ClinVar variation 4750326 (VCV004750326.1).
Genomic context (GRCh38, chr15:42,402,858, plus strand): 5'-ACGGGAACAAGCAGCACCTGCAGAAGGACTTCTTCCTGTACAACGCCTCCAAGGCCAGGA[G>A]CAAAACCTACATCAACATGCGGGAGGTGTCCCAGCGCTTCCGCCTGCCTCCCAGCGAGTA-3'
Protein context (NP_000061.1, residues 524-544): FFLYNASKAR[Ser534Asn]KTYINMREVS